The following is an entry in ClinVar:

ClinVar aggregate classification (germline): Uncertain significance (0 of 4 stars; one submission).

Conditions:
CUL7-related disorder. Also called: CUL7-related condition.

Allele frequency attached by ClinVar (database versions not stated): ExAC 0.00003.

Submission:

PreventionGenetics, part of Exact Sciences
Classification: Uncertain significance for CUL7-related condition. Last evaluated: 2023-12-15. Review status: no assertion criteria provided. Collection method: clinical testing. Allele origin: germline.
Comment: The CUL7 c.3398G>A variant is predicted to result in the amino acid substitution p.Arg1133Gln. To our knowledge, this variant has not been reported in the literature. This variant is reported in 0.0062% of alleles in individuals of African descent in gnomAD. At this time, the clinical significance of this variant is uncertain due to the absence of conclusive functional and genetic evidence.

NM_014780.5(CUL7):c.3398G>A (p.Arg1133Gln)

Gene: CUL7 (cullin 7; minus strand). Cytogenetic location: 6p21.1.
Variant type: single nucleotide variant.
Coding change: c.3398G>A on transcript NM_014780.5 (MANE Select); coding-DNA position 3398, G replaced by A.
Protein change: p.Arg1133Gln; replaces arginine 1133 with glutamine.
Molecular consequence: missense variant.
Genome position (GRCh38, 1-based): chr6:43,043,138, C>T on the plus strand (G>A on the coding strand, the complement: CUL7 is on the minus strand). VCF-style: chr6-43043138-C-T. GRCh37 (hg19) VCF-style: chr6-43010876-C-T.
Other names: c.3494G>A, p.Arg1165Gln (NM_001168370.2, NM_001374872.1); c.3398G>A, p.Arg1133Gln (NM_001374873.1); c.3395G>A, p.Arg1132Gln (NM_001374874.1); short protein forms R1132Q, R1133Q, R1165Q.
Identifiers: ClinVar variation 3032333 (VCV003032333.2), dbSNP rs763304938, ClinGen allele CA3813503.